The following is an entry in ClinVar:

NM_052872.4(IL17F):c.229C>A (p.Arg77Ser)

Gene: IL17F (interleukin 17F; minus strand). Cytogenetic location: 6p12.2.
Variant type: single nucleotide variant.
Coding change: c.229C>A on transcript NM_052872.4 (MANE Select); coding-DNA position 229, C replaced by A.
Protein change: p.Arg77Ser; replaces arginine 77 with serine.
Molecular consequence: missense variant.
Genome position (GRCh38, 1-based): chr6:52,238,755, G>T on the plus strand (C>A on the coding strand, the complement: IL17F is on the minus strand). VCF-style: chr6-52238755-G-T. GRCh37 (hg19) VCF-style: chr6-52103553-G-T.
Other names: short protein forms R77S.
Identifiers: ClinVar variation 2128122 (VCV002128122.4), dbSNP rs770953888, ClinGen allele CA364444910.

ClinVar aggregate classification (germline): Uncertain significance (1 of 4 stars; one submission).

Conditions:
Candidiasis, familial, 6 (CANDF6). Also called: Candidiasis, familial, 6, autosomal dominant. Identifiers: Orphanet 1334, MedGen C3151405, MONDO:0013503, OMIM 613956.

Submission:

Labcorp Genetics (formerly Invitae), Labcorp
Classification: Uncertain significance for Candidiasis, familial, 6. Last evaluated: 2024-08-13. Review status: criteria provided, single submitter. Criteria: Invitae Variant Classification Sherloc (09022015). Collection method: clinical testing. Allele origin: germline.
Comment: This sequence change replaces arginine, which is basic and polar, with serine, which is neutral and polar, at codon 77 of the IL17F protein (p.Arg77Ser). This variant is present in population databases (no rsID available, gnomAD 0.0009%). This variant has not been reported in the literature in individuals affected with IL17F-related conditions. ClinVar contains an entry for this variant (Variation ID: 2128122). An algorithm developed to predict the effect of missense changes on protein structure and function (PolyPhen-2) suggests that this variant is likely to be disruptive. In summary, the available evidence is currently insufficient to determine the role of this variant in disease. Therefore, it has been classified as a Variant of Uncertain Significance.